The following is an entry in ClinVar:

ClinVar aggregate classification (germline): Likely pathogenic (1 of 4 stars; one submission).

Submission:

Labcorp Genetics (formerly Invitae), Labcorp
Classification: Likely pathogenic. Last evaluated: 2022-12-05. Review status: criteria provided, single submitter. Criteria: Invitae Variant Classification Sherloc (09022015). Collection method: clinical testing. Allele origin: germline.
Comment: In summary, the currently available evidence indicates that the variant is pathogenic, but additional data are needed to prove that conclusively. Therefore, this variant has been classified as Likely Pathogenic. Algorithms developed to predict the effect of sequence changes on RNA splicing suggest that this variant may disrupt the consensus splice site. This variant has not been reported in the literature in individuals affected with PDE6A-related conditions. This variant is not present in population databases (gnomAD no frequency). This sequence change affects a donor splice site in intron 13 of the PDE6A gene. It is expected to disrupt RNA splicing. Variants that disrupt the donor or acceptor splice site typically lead to a loss of protein function (PMID: 16199547), and loss-of-function variants in PDE6A are known to be pathogenic (PMID: 7493036, 22128245, 23847139).

Literature cited by the submitters: PubMed 16199547; PubMed 7493036; PubMed 22128245; PubMed 23847139.

NM_000440.3(PDE6A):c.1728+1G>A

Gene: PDE6A (phosphodiesterase 6A; minus strand). Cytogenetic location: 5q32.
Variant type: single nucleotide variant.
Coding change: c.1728+1G>A on transcript NM_000440.3 (MANE Select); the canonical splice donor site of the intron after coding-DNA position 1728, G replaced by A.
Molecular consequence: splice donor variant.
Genome position (GRCh38, 1-based): chr5:149,895,182, C>T on the plus strand (G>A on the coding strand, the complement: PDE6A is on the minus strand). VCF-style: chr5-149895182-C-T. GRCh37 (hg19) VCF-style: chr5-149274745-C-T.
Other names: c.1485+1G>A (NM_001410788.1).
Identifiers: ClinVar variation 2030663 (VCV002030663.4), dbSNP rs2480557976, ClinGen allele CA361695035.